The following is an entry in ClinVar:

NM_017633.3(TENT5A):c.394G>C (p.Asp132His)

Gene: TENT5A (terminal nucleotidyltransferase 5A; minus strand). Cytogenetic location: 6q14.1.
Variant type: single nucleotide variant.
Coding change: c.394G>C on transcript NM_017633.3 (MANE Select); coding-DNA position 394, G replaced by C.
Protein change: p.Asp132His; replaces aspartic acid 132 with histidine.
Molecular consequence: missense variant.
Genome position (GRCh38, 1-based): chr6:81,751,748, C>G on the plus strand (G>C on the coding strand, the complement: TENT5A is on the minus strand). VCF-style: chr6-81751748-C-G. GRCh37 (hg19) VCF-style: chr6-82461465-C-G.
Other names: short protein forms D132H.
Identifiers: ClinVar variation 2040645 (VCV002040645.14), dbSNP rs138694074, ClinGen allele CA3903011.

ClinVar aggregate classification (germline): Benign/Likely benign. Review status: criteria provided, multiple submitters, no conflicts (2 of 4 stars). 2 submissions from 2 submitters: Benign (1); Likely benign (1). Last evaluated 2026-01-27.

Allele frequency attached by ClinVar (database versions not stated): 1000 Genomes Project 30x 0.00141; 1000 Genomes Project 0.00160; TOPMed 0.00311; ESP Exome Variant Server 0.00384; gnomAD 0.00522; gnomAD exomes 0.00577; ExAC 0.00603.

Submissions (2):

Labcorp Genetics (formerly Invitae), Labcorp
Classification: Benign. Last evaluated: 2026-01-27. Review status: criteria provided, single submitter. Criteria: Invitae Variant Classification Sherloc (09022015). Collection method: clinical testing. Allele origin: germline.

CeGaT Center for Human Genetics Tuebingen
Classification: Likely benign. Last evaluated: 2025-04-01. Review status: criteria provided, single submitter. Criteria: CeGaT Center For Human Genetics Tuebingen Variant Classification Criteria Version 2. Collection method: clinical testing. Allele origin: germline. Affected: yes. Observed: 1 variant allele.
Comment: TENT5A: BS2